The following is an entry in ClinVar:

NM_000719.7(CACNA1C):c.3013C>A (p.Pro1005Thr)

Gene: CACNA1C (calcium voltage-gated channel subunit alpha1 C; plus strand). Cytogenetic location: 12p13.33.
Variant type: single nucleotide variant.
Coding change: c.3013C>A on transcript NM_000719.7 (MANE Select); coding-DNA position 3013, C replaced by A.
Protein change: p.Pro1005Thr; replaces proline 1005 with threonine.
Molecular consequence: missense variant.
Genome position (GRCh38, 1-based): chr12:2,605,133, C>A. VCF-style: chr12-2605133-C-A. GRCh37 (hg19) VCF-style: chr12-2714299-C-A.
Other names: c.3013C>A, p.Pro1005Thr (NM_001129831.2, NM_001129833.2, NM_001129834.2 and 15 more transcripts); c.3073C>A, p.Pro1025Thr (NM_001129832.2, NM_199460.4, NM_001129827.2); c.3004C>A, p.Pro1002Thr (NM_001129844.2); short protein forms P1025T, P1002T, P1005T.
Identifiers: ClinVar variation 3718496 (VCV003718496.2).

ClinVar aggregate classification (germline): Uncertain significance (1 of 4 stars; one submission).

Conditions:
Long QT syndrome (LQTS). Identifiers: MedGen C0023976, MeSH D008133, MONDO:0002442. Disease mechanism: loss of function. Inheritance: Various modes of inheritance.

Submission:

Labcorp Genetics (formerly Invitae), Labcorp
Classification: Uncertain significance for Long QT syndrome. Last evaluated: 2024-10-10. Review status: criteria provided, single submitter. Criteria: Invitae Variant Classification Sherloc (09022015). Collection method: clinical testing. Allele origin: germline.
Comment: This sequence change replaces proline, which is neutral and non-polar, with threonine, which is neutral and polar, at codon 1005 of the CACNA1C protein (p.Pro1005Thr). This variant is not present in population databases (gnomAD no frequency). This variant has not been reported in the literature in individuals affected with CACNA1C-related conditions. Invitae Evidence Modeling of protein sequence and biophysical properties (such as structural, functional, and spatial information, amino acid conservation, physicochemical variation, residue mobility, and thermodynamic stability) indicates that this missense variant is expected to disrupt CACNA1C protein function with a positive predictive value of 95%. In summary, the available evidence is currently insufficient to determine the role of this variant in disease. Therefore, it has been classified as a Variant of Uncertain Significance.